The following is an entry in ClinVar:

ClinVar aggregate classification (germline): Uncertain significance. Review status: criteria provided, multiple submitters, no conflicts (2 of 4 stars). 3 submissions from 3 submitters: Uncertain significance (3). Last evaluated 2025-09-02.

Conditions:
Hereditary cancer-predisposing syndrome. Also called: Neoplastic Syndromes, Hereditary; Hereditary neoplastic syndrome; Tumor predisposition; Hereditary Cancer Syndrome. Identifiers: Orphanet 140162, MedGen C0027672, MeSH D009386, MONDO:0015356.
Ataxia-telangiectasia syndrome (AT). Also called: Ataxia telangiectasia (A-T); Cerebello-oculocutaneous telangiectasia; Immunodeficiency with ataxia telangiectasia; LOUIS-BAR SYNDROME; AT, COMPLEMENTATION GROUP C; ATAXIA-TELANGIECTASIA, FRESNO VARIANT. Identifiers: Orphanet 100, MedGen C0004135, MONDO:0008840, OMIM 208900.

Allele frequency attached by ClinVar (database versions not stated): gnomAD exomes below 0.00001.
gnomAD v4.1: 1 of 1,614,184 alleles (0.000062%); highest among the groups gnomAD compares: South Asian, 0.0011%; no homozygotes.

Submissions (3):

Labcorp Genetics (formerly Invitae), Labcorp
Classification: Uncertain significance for Ataxia-telangiectasia syndrome. Last evaluated: 2025-09-02. Review status: criteria provided, single submitter. Criteria: Invitae Variant Classification Sherloc (09022015). Collection method: clinical testing. Allele origin: germline.
Comment: This sequence change replaces valine, which is neutral and non-polar, with glycine, which is neutral and non-polar, at codon 2047 of the ATM protein (p.Val2047Gly). This variant is not present in population databases (gnomAD no frequency). This variant has not been reported in the literature in individuals affected with ATM-related conditions. ClinVar contains an entry for this variant (Variation ID: 236748). Invitae Evidence Modeling of protein sequence and biophysical properties (such as structural, functional, and spatial information, amino acid conservation, physicochemical variation, residue mobility, and thermodynamic stability) indicates that this missense variant is not expected to disrupt ATM protein function with a negative predictive value of 95%. In summary, the available evidence is currently insufficient to determine the role of this variant in disease. Therefore, it has been classified as a Variant of Uncertain Significance.

Mayo Clinic Laboratories, Mayo Clinic
Classification: Uncertain significance. Last evaluated: 2024-08-28. Review status: criteria provided, single submitter. Criteria: ACMG Guidelines, 2015. Collection method: clinical testing. Allele origin: germline. Observed: 1 variant allele.
Comment: BP4, PM2

Ambry Genetics
Classification: Uncertain significance for Hereditary cancer-predisposing syndrome. Last evaluated: 2024-02-24. Review status: criteria provided, single submitter. Criteria: Ambry Variant Classification Scheme 2023. Collection method: clinical testing. Allele origin: germline.
Comment: The p.V2047G variant (also known as c.6140T>G), located in coding exon 41 of the ATM gene, results from a T to G substitution at nucleotide position 6140. The valine at codon 2047 is replaced by glycine, an amino acid with dissimilar properties. This amino acid position is not well conserved in available vertebrate species. In addition, this alteration is predicted to be tolerated by in silico analysis. Since supporting evidence is limited at this time, the clinical significance of this alteration remains unclear.

NM_000051.4(ATM):c.6140T>G (p.Val2047Gly)

Genes: ATM (ATM serine/threonine kinase; plus strand), C11orf65 (chromosome 11 open reading frame 65; minus strand). Cytogenetic location: 11q22.3.
Variant type: single nucleotide variant.
Coding change: c.6140T>G on transcript NM_000051.4 (MANE Select); coding-DNA position 6140, T replaced by G.
Protein change: p.Val2047Gly; replaces valine 2047 with glycine.
Molecular consequence: missense variant. On other transcripts: intron variant (2).
Genome position (GRCh38, 1-based): chr11:108,316,055, T>G. VCF-style: chr11-108316055-T-G. GRCh37 (hg19) VCF-style: chr11-108186782-T-G.
Other names: p.Val2047Gly; c.6140T>G, p.Val2047Gly (NM_001351834.2); c.641-6984A>C (NM_001330368.2); c.*39-6984A>C (NM_001351110.2); short protein forms V2047G.
Identifiers: ClinVar variation 236748 (VCV000236748.14), dbSNP rs878853528, ClinGen allele CA10582836.